The following is an entry in ClinVar:

NM_017617.5(NOTCH1):c.4454A>G (p.Asp1485Gly)

Gene: NOTCH1 (notch receptor 1; minus strand). Cytogenetic location: 9q34.3.
Variant type: single nucleotide variant.
Coding change: c.4454A>G on transcript NM_017617.5 (MANE Select); coding-DNA position 4454, A replaced by G.
Protein change: p.Asp1485Gly; replaces aspartic acid 1485 with glycine.
Molecular consequence: missense variant.
Genome position (GRCh38, 1-based): chr9:136,505,442, T>C on the plus strand (A>G on the coding strand, the complement: NOTCH1 is on the minus strand). VCF-style: chr9-136505442-T-C. GRCh37 (hg19) VCF-style: chr9-139399894-T-C.
Other names: short protein forms D1485G.
Identifiers: ClinVar variation 3921045 (VCV003921045.1).
Genomic context (GRCh38, chr9:136,505,442, plus strand): 5'-CAGTGGCCGTCACTGAAGTACTTCCAGCACTGCAGAGACTGCGTGCAGTTCTTCCAGGGG[T>C]CATTGAAGTTGAGGGAGCAGTCACCGCCGTCCCAGCCGCACGCGTGGTTGTTGCACTGCA-3'
Protein context (NP_060087.3, residues 1475-1495): DGGDCSLNFN[Asp1485Gly]PWKNCTQSLQ

ClinVar aggregate classification (germline): Uncertain significance (1 of 4 stars; one submission).

Conditions:
Familial thoracic aortic aneurysm and aortic dissection (TAAD). Also called: Thoracic aortic aneurysms and dissections. Identifiers: Orphanet 91387, MedGen C4707243, MONDO:0019625.

gnomAD v4.1: 1 of 1,612,612 alleles (0.000062%); highest among the groups gnomAD compares: African/African-American, 0.0013%; no homozygotes.

Submission:

Ambry Genetics
Classification: Uncertain significance for Familial thoracic aortic aneurysm and aortic dissection. Last evaluated: 2025-03-31. Review status: criteria provided, single submitter. Criteria: Ambry Variant Classification Scheme 2023. Collection method: clinical testing. Allele origin: germline.
Comment: The p.D1485G variant (also known as c.4454A>G), located in coding exon 25 of the NOTCH1 gene, results from an A to G substitution at nucleotide position 4454. The aspartic acid at codon 1485 is replaced by glycine, an amino acid with similar properties. This amino acid position is conserved. In addition, the in silico prediction for this alteration is inconclusive. Based on the available evidence, the clinical significance of this variant remains unclear.